The following is an entry in ClinVar:

ClinVar aggregate classification (germline): Likely pathogenic (1 of 4 stars; one submission).

Conditions:
Multiple acyl-CoA dehydrogenase deficiency (MADD). Also called: GA II; Glutaric aciduria, type 2; Glutaric acidemia type II; GA 2; Glutaric Acidemia type 2; ETHYLMALONIC-ADIPICACIDURIA. Identifiers: Orphanet 26791, MedGen C0268596, MONDO:0009282, OMIM 231680.

Submission:

UAEU Genomics Laboratory, United Arab Emirates University
Classification: Likely pathogenic for Multiple acyl-CoA dehydrogenase deficiency. Last evaluated: 2022-10-27. Review status: criteria provided, single submitter. Criteria: ACMG Guidelines, 2015. Collection method: research. Allele origin: germline. Affected: yes. Observed: 1 variant allele.
Comment: PM2, PVS1_Moderate, PP4_Moderate

NM_001985.3(ETFB):c.762del (p.Ile255fs)

Gene: ETFB (electron transfer flavoprotein subunit beta; minus strand). Cytogenetic location: 19q13.41.
Variant type: Deletion.
Coding change: c.762del on transcript NM_001985.3 (MANE Select); coding-DNA position 762, one base deleted (G; older notation c.762delG).
Protein change: p.Ile255fs; shifts the reading frame from isoleucine 255.
Molecular consequence: frameshift variant.
Genome position (GRCh38, 1-based): chr19:51,345,217, C deleted on the plus strand (G on the coding strand, the reverse complement: ETFB is on the minus strand); the first of 2 consecutive C bases (chr19:51,345,217-51,345,218); deleting either gives the same sequence. VCF-style (leftmost placement, unchanged base first): chr19-51345216-TC-T. GRCh37 (hg19) VCF-style: chr19-51848470-TC-T.
Other names: c.1035del, p.Ile346fs (NM_001014763.1); c.762delG (NM_001985.3); short protein forms I255fs, I346fs.
Identifiers: ClinVar variation 5042549 (VCV005042549.1).